The following is an entry in ClinVar:

ClinVar aggregate classification (germline): Uncertain significance (1 of 4 stars; one submission).

Conditions:
Hypertrophic cardiomyopathy. Also called: HYPERTROPHIC MYOCARDIOPATHY. Identifiers: Orphanet 217569, MedGen C0007194, MeSH D002312, MONDO:0005045, HP:0001639.

Submission:

Labcorp Genetics (formerly Invitae), Labcorp
Classification: Uncertain significance for Hypertrophic cardiomyopathy. Last evaluated: 2023-03-31. Review status: criteria provided, single submitter. Criteria: Invitae Variant Classification Sherloc (09022015). Collection method: clinical testing. Allele origin: germline.
Comment: This variant has not been reported in the literature in individuals affected with MYH7-related conditions. In summary, the available evidence is currently insufficient to determine the role of this variant in disease. Therefore, it has been classified as a Variant of Uncertain Significance. Algorithms developed to predict the effect of sequence changes on RNA splicing suggest that this variant may disrupt the consensus splice site. This variant is not present in population databases (gnomAD no frequency). This sequence change creates a premature translational stop signal (p.Glu800Glyfs*14) in the MYH7 gene. It is expected to result in an absent or disrupted protein product. However, the current clinical and genetic evidence is not sufficient to establish whether loss-of-function variants in MYH7 cause disease.

NM_000257.4(MYH7):c.2399del (p.Glu800fs)

Genes: MYH7 (myosin heavy chain 7; minus strand), LOC126861898 (BRD4-independent group 4 enhancer GRCh37_chr14:23893609-23894808; plus strand). Cytogenetic location: 14q11.2.
Variant type: Deletion.
Coding change: c.2399del on transcript NM_000257.4 (MANE Select); coding-DNA position 2399, one base deleted (A; older notation c.2399delA).
Protein change: p.Glu800fs; shifts the reading frame from glutamic acid 800.
Molecular consequence: frameshift variant.
Genome position (GRCh38, 1-based): chr14:23,425,306, T deleted on the plus strand (A on the coding strand, the reverse complement: MYH7 is on the minus strand). VCF-style (leftmost placement, unchanged base first): chr14-23425305-CT-C. GRCh37 (hg19) VCF-style: chr14-23894514-CT-C.
Other names: c.2399del, p.Glu800fs (NM_001407004.1); short protein forms E800fs.
Identifiers: ClinVar variation 2847990 (VCV002847990.3), dbSNP rs2502285674, ClinGen allele CA2739277785.